The following is an entry in ClinVar:

NM_005560.6(LAMA5):c.956+6G>A

Gene: LAMA5 (laminin subunit alpha 5; minus strand). Cytogenetic location: 20q13.33.
Variant type: single nucleotide variant.
Coding change: c.956+6G>A on transcript NM_005560.6 (MANE Select); 6 bases into the intron after coding-DNA position 956, G replaced by A.
Molecular consequence: intron variant.
Genome position (GRCh38, 1-based): chr20:62,351,698, C>T on the plus strand (G>A on the coding strand, the complement: LAMA5 is on the minus strand). VCF-style: chr20-62351698-C-T. GRCh37 (hg19) VCF-style: chr20-60926754-C-T.
Identifiers: ClinVar variation 1936283 (VCV001936283.5), dbSNP rs186054581, ClinGen allele CA9944208.

ClinVar aggregate classification (germline): Uncertain significance (1 of 4 stars; one submission).

Allele frequency attached by ClinVar (database versions not stated): 1000 Genomes Project 30x 0.00016.
gnomAD v4.1: 64 of 1,610,426 alleles (0.004%); highest among the groups gnomAD compares: Non-Finnish European, 0.0054%; no homozygotes.

Submission:

Labcorp Genetics (formerly Invitae), Labcorp
Classification: Uncertain significance. Last evaluated: 2022-07-08. Review status: criteria provided, single submitter. Criteria: Invitae Variant Classification Sherloc (09022015). Collection method: clinical testing. Allele origin: germline.
Comment: In summary, the available evidence is currently insufficient to determine the role of this variant in disease. Therefore, it has been classified as a Variant of Uncertain Significance. This sequence change falls in intron 6 of the LAMA5 gene. It does not directly change the encoded amino acid sequence of the LAMA5 protein. It affects a nucleotide within the consensus splice site. This variant is present in population databases (rs186054581, gnomAD 0.007%). This variant has not been reported in the literature in individuals affected with LAMA5-related conditions. Variants that disrupt the consensus splice site are a relatively common cause of aberrant splicing (PMID: 17576681, 9536098). Algorithms developed to predict the effect of sequence changes on RNA splicing suggest that this variant is not likely to affect RNA splicing.

Literature cited by the submitters: PubMed 17576681; PubMed 9536098.